The following is an entry in ClinVar:

ClinVar aggregate classification (germline): Uncertain significance. Review status: criteria provided, multiple submitters, no conflicts (2 of 4 stars). 3 submissions from 3 submitters: Uncertain significance (3). Last evaluated 2025-04-05.

Conditions:
Fumarase deficiency (FMRD). Also called: Fumarate Hydratase Deficiency; Fumaric aciduria. Identifiers: Orphanet 24, MedGen C0342770, MONDO:0011730, OMIM 606812.
Hereditary leiomyomatosis and renal cell cancer. Also called: LEIOMYOMA, MULTIPLE CUTANEOUS; MULTIPLE CUTANEOUS AND UTERINE LEIOMYOMATA 1, WITH OR WITHOUT RENAL CELL CARCINOMA; Reed syndrome; Multiple cutaneous and uterine leiomyomatosis; Cutaneous leiomyomata with uterine leiomyomata; Leiomyoma, hereditary multiple, of skin. Identifiers: Orphanet 523, MedGen C1708350, MONDO:0007888, OMIM 150800, HP:0007437. Disease mechanism: loss of function.
Hereditary cancer-predisposing syndrome. Also called: Tumor predisposition; Neoplastic Syndromes, Hereditary; Hereditary neoplastic syndrome; Hereditary Cancer Syndrome. Identifiers: Orphanet 140162, MedGen C0027672, MeSH D009386, MONDO:0015356.

Allele frequency attached by ClinVar (database versions not stated): gnomAD 0.00001.

Submissions (3):

Ambry Genetics
Classification: Uncertain significance for Hereditary cancer-predisposing syndrome. Last evaluated: 2025-04-05. Review status: criteria provided, single submitter. Criteria: Ambry Variant Classification Scheme 2023. Collection method: clinical testing. Allele origin: germline.
Comment: The p.I98V variant (also known as c.292A>G), located in coding exon 3 of the FH gene, results from an A to G substitution at nucleotide position 292. The isoleucine at codon 98 is replaced by valine, an amino acid with highly similar properties. This amino acid position is well conserved in available vertebrate species. In addition, the in silico prediction for this alteration is inconclusive. Since supporting evidence is limited at this time, the clinical significance of this alteration remains unclear.

Labcorp Genetics (formerly Invitae), Labcorp
Classification: Uncertain significance. Last evaluated: 2024-10-10. Review status: criteria provided, single submitter. Criteria: Invitae Variant Classification Sherloc (09022015). Collection method: clinical testing. Allele origin: germline.
Comment: This sequence change replaces isoleucine, which is neutral and non-polar, with valine, which is neutral and non-polar, at codon 98 of the FH protein (p.Ile98Val). This variant is not present in population databases (gnomAD no frequency). This variant has not been reported in the literature in individuals affected with FH-related conditions. ClinVar contains an entry for this variant (Variation ID: 1043517). Invitae Evidence Modeling of protein sequence and biophysical properties (such as structural, functional, and spatial information, amino acid conservation, physicochemical variation, residue mobility, and thermodynamic stability) indicates that this missense variant is not expected to disrupt FH protein function with a negative predictive value of 95%. In summary, the available evidence is currently insufficient to determine the role of this variant in disease. Therefore, it has been classified as a Variant of Uncertain Significance.

Fulgent Genetics
Classification: Uncertain significance for Hereditary leiomyomatosis and renal cell cancer; Fumarase deficiency. Last evaluated: 2024-01-17. Review status: criteria provided, single submitter. Criteria: ACMG Guidelines, 2015. Collection method: clinical testing. Allele origin: germline.

NM_000143.4(FH):c.292A>G (p.Ile98Val)

Gene: FH (fumarate hydratase; minus strand). Cytogenetic location: 1q43.
Variant type: single nucleotide variant.
Coding change: c.292A>G on transcript NM_000143.4 (MANE Select); coding-DNA position 292, A replaced by G.
Protein change: p.Ile98Val; replaces isoleucine 98 with valine.
Molecular consequence: missense variant.
Genome position (GRCh38, 1-based): chr1:241,513,689, T>C on the plus strand (A>G on the coding strand, the complement: FH is on the minus strand). VCF-style: chr1-241513689-T-C. GRCh37 (hg19) VCF-style: chr1-241676989-T-C.
Other names: c.292A>G (NM_000143.3); short protein forms I98V.
Identifiers: ClinVar variation 1043517 (VCV001043517.13), dbSNP rs1660147766, ClinGen allele CA345440972.